The following is an entry in ClinVar:

ClinVar aggregate classification (germline): Uncertain significance (1 of 4 stars; one submission).

Allele frequency attached by ClinVar (database versions not stated): ESP Exome Variant Server 0.00008.
gnomAD v4.1: 2 of 1,613,894 alleles (0.00012%); highest among the groups gnomAD compares: African/African-American, 0.0027%; no homozygotes.

Submission:

Labcorp Genetics (formerly Invitae), Labcorp
Classification: Uncertain significance. Last evaluated: 2025-02-17. Review status: criteria provided, single submitter. Criteria: Invitae Variant Classification Sherloc (09022015). Collection method: clinical testing. Allele origin: germline.
Comment: This sequence change replaces isoleucine, which is neutral and non-polar, with phenylalanine, which is neutral and non-polar, at codon 3913 of the FRAS1 protein (p.Ile3913Phe). This variant is not present in population databases (gnomAD no frequency). This variant has not been reported in the literature in individuals affected with FRAS1-related conditions. ClinVar contains an entry for this variant (Variation ID: 2791302). An algorithm developed to predict the effect of missense changes on protein structure and function (PolyPhen-2) suggests that this variant is likely to be tolerated. In summary, the available evidence is currently insufficient to determine the role of this variant in disease. Therefore, it has been classified as a Variant of Uncertain Significance.

NM_025074.7(FRAS1):c.11737A>T (p.Ile3913Phe)

Gene: FRAS1 (Fraser extracellular matrix complex subunit 1; plus strand). Cytogenetic location: 4q21.21.
Variant type: single nucleotide variant.
Coding change: c.11737A>T on transcript NM_025074.7 (MANE Select); coding-DNA position 11737, A replaced by T.
Protein change: p.Ile3913Phe; replaces isoleucine 3913 with phenylalanine.
Molecular consequence: missense variant.
Genome position (GRCh38, 1-based): chr4:78,540,822, A>T. VCF-style: chr4-78540822-A-T. GRCh37 (hg19) VCF-style: chr4-79461976-A-T.
Other names: short protein forms I3913F.
Identifiers: ClinVar variation 2791302 (VCV002791302.3), dbSNP rs372097379, ClinGen allele CA99968581.